The following is an entry in ClinVar:

NM_005198.5(CHKB):c.1003G>T (p.Glu335Ter)

Genes: CHKB (choline kinase beta; minus strand), CHKB-CPT1B (CHKB-CPT1B readthrough (NMD candidate); minus strand). Cytogenetic location: 22q13.33.
Variant type: single nucleotide variant.
Coding change: c.1003G>T on transcript NM_005198.5 (MANE Select); coding-DNA position 1003, G replaced by T.
Protein change: p.Glu335Ter; replaces glutamic acid 335 with a stop codon.
Molecular consequence: nonsense. On other transcripts: non-coding transcript variant (1).
Genome position (GRCh38, 1-based): chr22:50,579,755, C>A on the plus strand (G>T on the coding strand, the complement: CHKB is on the minus strand). VCF-style: chr22-50579755-C-A. GRCh37 (hg19) VCF-style: chr22-51018184-C-A.
Other names: short protein forms E335*.
Identifiers: ClinVar variation 1075204 (VCV001075204.7), dbSNP rs2146652075, ClinGen allele CA412195124.

ClinVar aggregate classification (germline): Pathogenic (1 of 4 stars; one submission).

Conditions:
Megaconial type congenital muscular dystrophy (MDCMC). Also called: CHKB-Related Muscular Dystrophy; CHKB-Related Muscle Diseases; MUSCULAR DYSTROPHY, CONGENITAL, WITH MITOCHONDRIAL STRUCTURAL ABNORMALITIES. Identifiers: Orphanet 280671, MedGen C1865233, MONDO:0011246, OMIM 602541.

Submission:

Labcorp Genetics (formerly Invitae), Labcorp
Classification: Pathogenic for Megaconial type congenital muscular dystrophy. Last evaluated: 2020-10-08. Review status: criteria provided, single submitter. Criteria: Invitae Variant Classification Sherloc (09022015). Collection method: clinical testing. Allele origin: germline.
Comment: For these reasons, this variant has been classified as Pathogenic. Loss-of-function variants in CHKB are known to be pathogenic (PMID: 21665002). Algorithms developed to predict the effect of sequence changes on RNA splicing suggest that this variant may create or strengthen a splice site, but this prediction has not been confirmed by published transcriptional studies. This variant has not been reported in the literature in individuals with CHKB-related conditions. This variant is not present in population databases (ExAC no frequency). This sequence change creates a premature translational stop signal (p.Glu335*) in the CHKB gene. It is expected to result in an absent or disrupted protein product.

Literature cited by the submitters: PubMed 21665002.